The following is an entry in ClinVar:

NM_014141.6(CNTNAP2):c.3919G>A (p.Ala1307Thr)

Gene: CNTNAP2 (contactin associated protein 2; plus strand). Cytogenetic location: 7q36.1.
Variant type: single nucleotide variant.
Coding change: c.3919G>A on transcript NM_014141.6 (MANE Select); coding-DNA position 3919, G replaced by A.
Protein change: p.Ala1307Thr; replaces alanine 1307 with threonine.
Molecular consequence: missense variant.
Genome position (GRCh38, 1-based): chr7:148,415,539, G>A. VCF-style: chr7-148415539-G-A. GRCh37 (hg19) VCF-style: chr7-148112631-G-A.
Other names: short protein forms A1307T.
Identifiers: ClinVar variation 419062 (VCV000419062.9), dbSNP rs139234992, ClinGen allele CA4546842.

ClinVar aggregate classification (germline): Uncertain significance. Review status: criteria provided, multiple submitters, no conflicts (2 of 4 stars). 3 submissions from 3 submitters: Uncertain significance (3). Last evaluated 2022-10-24.

Conditions:
Inborn genetic diseases. Identifiers: MedGen C0950123, MeSH D030342.
Cortical dysplasia-focal epilepsy syndrome (PTHSL1). Also called: Pitt-Hopkins-like syndrome 1. Identifiers: Orphanet 163681, Orphanet 221150, MedGen C2750246, MONDO:0012400, OMIM 610042.

Allele frequency attached by ClinVar (database versions not stated): gnomAD 0.00001 and 0.00004; gnomAD exomes 0.00003; TOPMed 0.00003; ExAC 0.00006; ESP Exome Variant Server 0.00008; 1000 Genomes Project 30x 0.00016; 1000 Genomes Project 0.00020.
gnomAD v4.1: 41 of 1,614,224 alleles (0.0025%); highest among the groups gnomAD compares: East Asian, 0.016%; 1 homozygote.

Submissions (3):

Labcorp Genetics (formerly Invitae), Labcorp
Classification: Uncertain significance for Cortical dysplasia-focal epilepsy syndrome. Last evaluated: 2022-10-24. Review status: criteria provided, single submitter. Criteria: Invitae Variant Classification Sherloc (09022015). Collection method: clinical testing. Allele origin: germline.
Comment: This sequence change replaces alanine, which is neutral and non-polar, with threonine, which is neutral and polar, at codon 1307 of the CNTNAP2 protein (p.Ala1307Thr). This variant is present in population databases (rs139234992, gnomAD 0.01%). This variant has not been reported in the literature in individuals affected with CNTNAP2-related conditions. ClinVar contains an entry for this variant (Variation ID: 419062). Algorithms developed to predict the effect of missense changes on protein structure and function are either unavailable or do not agree on the potential impact of this missense change (SIFT: "Tolerated"; PolyPhen-2: "Possibly Damaging"; Align-GVGD: "Class C0"). In summary, the available evidence is currently insufficient to determine the role of this variant in disease. Therefore, it has been classified as a Variant of Uncertain Significance.

Ambry Genetics
Classification: Uncertain significance for Inborn genetic diseases. Last evaluated: 2022-09-05. Review status: criteria provided, single submitter. Criteria: Ambry Variant Classification Scheme 2023. Collection method: clinical testing. Allele origin: germline.

GeneDx
Classification: Uncertain significance. Last evaluated: 2016-11-14. Review status: criteria provided, single submitter. Criteria: GeneDx Variant Classification (06012015). Collection method: clinical testing. Allele origin: germline. Affected: yes.
Comment: The A1307T variant in the CNTNAP2 gene has not been published as a pathogenic variant, nor has it been reported as a benign polymorphism to our knowledge. The A1307T variant was not observed at any significant frequency in approximately 6,500 individuals of European and African American ancestry by the NHLBI Exome Sequencing Project. The A1307T variant is a non-conservative amino acid substitution, which is likely to impact secondary protein structure as these residues differ in polarity, charge, size and/or other properties. This substitution occurs at a position that is conserved across species. In silico analysis is inconsistent in its predictions as to whether or not the variant is damaging to the protein structure/function. We interpret A1307T as a variant of unknown significance.